The following is an entry in ClinVar:

NM_000143.4(FH):c.527A>G (p.His176Arg)

Gene: FH (fumarate hydratase; minus strand). Cytogenetic location: 1q43.
Variant type: single nucleotide variant.
Coding change: c.527A>G on transcript NM_000143.4 (MANE Select); coding-DNA position 527, A replaced by G.
Protein change: p.His176Arg; replaces histidine 176 with arginine.
Molecular consequence: missense variant.
Genome position (GRCh38, 1-based): chr1:241,511,995, T>C on the plus strand (A>G on the coding strand, the complement: FH is on the minus strand). VCF-style: chr1-241511995-T-C. GRCh37 (hg19) VCF-style: chr1-241675295-T-C.
Other names: short protein forms H176R.
Identifiers: ClinVar variation 432129 (VCV000432129.7), dbSNP rs1158759883, ClinGen allele CA345439904.

ClinVar aggregate classification (germline): Conflicting classifications of pathogenicity. Review status: criteria provided, conflicting classifications (1 of 4 stars). 2 submissions from 2 submitters: Likely pathogenic (1); Uncertain significance (1). Last evaluated 2023-08-28.

Conditions:
Fumarase deficiency (FMRD). Also called: Fumarate Hydratase Deficiency; Fumaric aciduria. Identifiers: Orphanet 24, MedGen C0342770, MONDO:0011730, OMIM 606812.

gnomAD v4.1: 1 of 1,614,018 alleles (0.000062%); highest among the groups gnomAD compares: East Asian, 0.0022%; no homozygotes.

Submissions (2):

GeneDx
Classification: Likely pathogenic. Last evaluated: 2023-08-28. Review status: criteria provided, single submitter. Criteria: GeneDx Variant Classification Process June 2021. Collection method: clinical testing. Allele origin: germline. Affected: yes.
Comment: Not observed at significant frequency in large population cohorts (gnomAD); In silico analysis supports that this missense variant has a deleterious effect on protein structure/function; Has not been previously published as pathogenic or benign to our knowledge; This variant is associated with the following publications: (PMID: 33848143)

Centre for Mendelian Genomics, University Medical Centre Ljubljana
Classification: Uncertain significance for Fumarase deficiency. Last evaluated: 2019-03-05. Review status: criteria provided, single submitter. Criteria: ACMG Guidelines, 2015. Collection method: clinical testing. Allele origin: unknown. Affected: yes.
Comment: This variant was classified as: Uncertain significance. The available evidence on this variant's pathogenicity is insufficient or conflicting. The following ACMG criteria were applied in classifying this variant: PM2,PP3,PP5.